The following is an entry in ClinVar:

ClinVar aggregate classification (germline): Uncertain significance (1 of 4 stars; one submission).

Allele frequency attached by ClinVar (database versions not stated): gnomAD exomes 0.00002 and 0.00004; gnomAD 0.00005; TOPMed 0.00005.
gnomAD v4.1: 66 of 1,613,936 alleles (0.0041%); highest among the groups gnomAD compares: Non-Finnish European, 0.0053%; no homozygotes.

Submission:

GeneDx
Classification: Uncertain significance. Last evaluated: 2019-06-26. Review status: criteria provided, single submitter. Criteria: GeneDx Variant Classification Process June 2021. Collection method: clinical testing. Allele origin: germline. Affected: yes.
Comment: Not observed at a significant frequency in large population cohorts (Lek et al., 2016); In silico analysis, which includes protein predictors and evolutionary conservation, supports that this variant does not alter protein structure/function; Has not been previously published as pathogenic or benign to our knowledge

NM_007347.5(AP4E1):c.2555T>G (p.Leu852Arg)

Gene: AP4E1 (adaptor related protein complex 4 subunit epsilon 1; plus strand). Cytogenetic location: 15q21.2.
Variant type: single nucleotide variant.
Coding change: c.2555T>G on transcript NM_007347.5 (MANE Select); coding-DNA position 2555, T replaced by G.
Protein change: p.Leu852Arg; replaces leucine 852 with arginine.
Molecular consequence: missense variant.
Genome position (GRCh38, 1-based): chr15:50,997,534, T>G. VCF-style: chr15-50997534-T-G. GRCh37 (hg19) VCF-style: chr15-51289731-T-G.
Other names: c.2330T>G, p.Leu777Arg (NM_001252127.2); short protein forms L777R, L852R.
Identifiers: ClinVar variation 1306708 (VCV001306708.2), dbSNP rs902660791, ClinGen allele CA270525966.